The following is an entry in ClinVar:

ClinVar aggregate classification (germline): Likely benign (1 of 4 stars; one submission).

Allele frequency attached by ClinVar (database versions not stated): ExAC 0.00002; gnomAD exomes 0.00003; TOPMed 0.00003; gnomAD 0.00004.
gnomAD v4.1: 53 of 1,611,634 alleles (0.0033%); highest among the groups gnomAD compares: Middle Eastern, 0.28%; no homozygotes.

Submission:

CeGaT Center for Human Genetics Tuebingen
Classification: Likely benign. Last evaluated: 2023-01-01. Review status: criteria provided, single submitter. Criteria: CeGaT Center For Human Genetics Tuebingen Variant Classification Criteria Version 2. Collection method: clinical testing. Allele origin: germline. Affected: yes. Observed: 1 variant allele.
Comment: TMPRSS9: BP4, BP7

NM_001395513.1(TMPRSS9):c.2043G>A (p.Lys681=)

Gene: TMPRSS9 (transmembrane serine protease 9; plus strand). Cytogenetic location: 19p13.3.
Variant type: single nucleotide variant.
Coding change: c.2043G>A on transcript NM_001395513.1 (MANE Select); coding-DNA position 2043, G replaced by A.
Protein change: p.Lys681=; no amino-acid change (lysine 681 retained).
Molecular consequence: synonymous variant.
Genome position (GRCh38, 1-based): chr19:2,418,027, G>A. VCF-style: chr19-2418027-G-A. GRCh37 (hg19) VCF-style: chr19-2418025-G-A.
Other names: c.1347G>A, p.Lys449= (NM_001385642.1); c.1941G>A, p.Lys647= (NM_182973.3).
Identifiers: ClinVar variation 2648974 (VCV002648974.24), dbSNP rs748012323, ClinGen allele CA9066568.